The following is an entry in ClinVar:

NM_001873.4(CPE):c.782C>T (p.Thr261Met)

Gene: CPE (carboxypeptidase E; plus strand). Cytogenetic location: 4q32.3.
Variant type: single nucleotide variant.
Coding change: c.782C>T on transcript NM_001873.4 (MANE Select); coding-DNA position 782, C replaced by T.
Protein change: p.Thr261Met; replaces threonine 261 with methionine.
Molecular consequence: missense variant.
Genome position (GRCh38, 1-based): chr4:165,482,351, C>T. VCF-style: chr4-165482351-C-T. GRCh37 (hg19) VCF-style: chr4-166403503-C-T.
Other names: short protein forms T261M.
Identifiers: ClinVar variation 3358020 (VCV003358020.1).
Genomic context (GRCh38, chr4:165,482,351, plus strand): 5'-TTGTGCTTTCTGCCAATCTCCATGGAGGAGACCTTGTGGCCAATTATCCATATGATGAGA[C>T]GCGGAGTGGTAGGTATTCTTTCTGCTTCTCTTATTGGTTCAAAGTTTATAACACTGTACA-3'
Protein context (NP_001864.1, residues 251-271): DLVANYPYDE[Thr261Met]RSGSAHEYSS

ClinVar aggregate classification (germline): Uncertain significance (0 of 4 stars; one submission).

Conditions:
CPE-related disorder. Also called: CPE-related condition.

gnomAD v4.1: 56 of 1,605,618 alleles (0.0035%); highest among the groups gnomAD compares: African/African-American, 0.0067%; no homozygotes.

Submission:

PreventionGenetics, part of Exact Sciences
Classification: Uncertain significance for CPE-related condition. Last evaluated: 2024-09-05. Review status: no assertion criteria provided. Collection method: clinical testing. Allele origin: germline.
Comment: The CPE c.782C>T variant is predicted to result in the amino acid substitution p.Thr261Met. To our knowledge, this variant has not been reported in the literature. This variant is reported in 0.0080% of alleles in individuals of African descent in gnomAD. At this time, the clinical significance of this variant is uncertain due to the absence of conclusive functional and genetic evidence.